The following is an entry in ClinVar:

NM_004006.3(DMD):c.7552del (p.Gln2518fs)

Gene: DMD (dystrophin; minus strand). Cytogenetic location: Xp21.1.
Variant type: Deletion.
Coding change: c.7552del on transcript NM_004006.3 (MANE Select); coding-DNA position 7552, one base deleted (C; older notation c.7552delC).
Protein change: p.Gln2518fs; shifts the reading frame from glutamine 2518.
Molecular consequence: frameshift variant.
Genome position (GRCh38, 1-based): chrX:31,729,739, G deleted on the plus strand (C on the coding strand, the reverse complement: DMD is on the minus strand). VCF-style (leftmost placement, unchanged base first): chrX-31729738-TG-T. GRCh37 (hg19) VCF-style: chrX-31747855-TG-T.
Other names: c.7552delC (NM_004006.2); c.7528del, p.Gln2510fs (NM_000109.4); c.7540del, p.Gln2514fs (NM_004009.3); c.7183del, p.Gln2395fs (NM_004010.3); c.3529del, p.Gln1177fs (NM_004011.4); c.3520del, p.Gln1174fs (NM_004012.4); c.172del, p.Gln58fs (NM_004013.3, NM_004020.4, NM_004021.3 and 2 more transcripts); short protein forms Q1174fs, Q2510fs, Q2514fs, Q58fs, Q1177fs, Q2395fs, Q2518fs.
Identifiers: ClinVar variation 3223665 (VCV003223665.1), dbSNP rs398124049, ClinGen allele CA267134.

ClinVar aggregate classification (germline): Pathogenic (1 of 4 stars; one submission).

Conditions:
Cardiovascular phenotype. Identifiers: MedGen CN230736.

Submission:

Ambry Genetics
Classification: Pathogenic for Cardiovascular phenotype. Last evaluated: 2024-03-11. Review status: criteria provided, single submitter. Criteria: Ambry Variant Classification Scheme 2023. Collection method: clinical testing. Allele origin: germline.
Comment: The c.7552delC variant, located in coding exon 52 of the DMD gene, results from a deletion of one nucleotide at nucleotide position 7552, causing a translational frameshift with a predicted alternate stop codon (p.Q2518Rfs*20). This variant is considered to be rare based on population cohorts in the Genome Aggregation Database (gnomAD). This alteration is expected to result in loss of function by premature protein truncation or nonsense-mediated mRNA decay. As such, this alteration is interpreted as a disease-causing mutation.